The following is an entry in ClinVar:

ClinVar aggregate classification (germline): Uncertain significance (1 of 4 stars; one submission).

Conditions:
Primary ciliary dyskinesia 28. Also called: CILIARY DYSKINESIA, PRIMARY, 28, WITH OR WITHOUT SITUS INVERSUS. Identifiers: Orphanet 244, MedGen C3809706, MONDO:0014216, OMIM 615505.

Allele frequency attached by ClinVar (database versions not stated): gnomAD exomes below 0.00001.
gnomAD v4.1: 1 of 1,605,318 alleles (0.000062%); highest among the groups gnomAD compares: Admixed American, 0.0017%; no homozygotes.

Submission:

Labcorp Genetics (formerly Invitae), Labcorp
Classification: Uncertain significance for Primary ciliary dyskinesia 28. Last evaluated: 2022-06-25. Review status: criteria provided, single submitter. Criteria: Invitae Variant Classification Sherloc (09022015). Collection method: clinical testing. Allele origin: germline.
Comment: In summary, the available evidence is currently insufficient to determine the role of this variant in disease. Therefore, it has been classified as a Variant of Uncertain Significance. Algorithms developed to predict the effect of sequence changes on RNA splicing suggest that this variant may create or strengthen a splice site. Algorithms developed to predict the effect of missense changes on protein structure and function (SIFT, PolyPhen-2, Align-GVGD) all suggest that this variant is likely to be disruptive. This variant has not been reported in the literature in individuals affected with SPAG1-related conditions. This variant is present in population databases (no rsID available, gnomAD 0.003%). This sequence change replaces arginine, which is basic and polar, with threonine, which is neutral and polar, at codon 493 of the SPAG1 protein (p.Arg493Thr).

NM_003114.5(SPAG1):c.1478G>C (p.Arg493Thr)

Gene: SPAG1 (sperm associated antigen 1; plus strand). Cytogenetic location: 8q22.2.
Variant type: single nucleotide variant.
Coding change: c.1478G>C on transcript NM_003114.5 (MANE Select); coding-DNA position 1478, G replaced by C.
Protein change: p.Arg493Thr; replaces arginine 493 with threonine.
Molecular consequence: missense variant.
Genome position (GRCh38, 1-based): chr8:100,213,861, G>C. VCF-style: chr8-100213861-G-C. GRCh37 (hg19) VCF-style: chr8-101226089-G-C.
Other names: c.1478G>C, p.Arg493Thr (NM_001374321.1, NM_172218.3); short protein forms R493T.
Identifiers: ClinVar variation 2170878 (VCV002170878.4), dbSNP rs1344013452, ClinGen allele CA371809928.